The following is an entry in ClinVar:

ClinVar aggregate classification (germline): Benign. Review status: criteria provided, multiple submitters, no conflicts (2 of 4 stars). 3 submissions from 3 submitters: Benign (2). 1 of the submissions does not count toward it. Last evaluated 2026-02-02.

Conditions:
TRAF3-related disorder. Also called: TRAF3 related condition.
Immunodeficiency 132A. Also called: Herpes simplex encephalitis, susceptibility to, 3. Identifiers: Orphanet 1930, MedGen C3553868, MONDO:0013920, OMIM 614849.

Allele frequency attached by ClinVar (database versions not stated): ESP Exome Variant Server 0.00277; ExAC 0.00690; gnomAD exomes 0.00815 and 0.00465; TOPMed 0.00373; 1000 Genomes Project 0.00459; gnomAD 0.00598 and 0.00576; 1000 Genomes Project 30x 0.00437.
gnomAD v4.1: 7,597 of 1,614,160 alleles (0.47%); highest among the groups gnomAD compares: Admixed American, 2%; 58 homozygotes.

Submissions (3):

Labcorp Genetics (formerly Invitae), Labcorp
Classification: Benign for Immunodeficiency 132A. Last evaluated: 2026-02-02. Review status: criteria provided, single submitter. Criteria: Invitae Variant Classification Sherloc (09022015). Collection method: clinical testing. Allele origin: germline.

Breakthrough Genomics
Classification: Benign. Review status: criteria provided, single submitter. Criteria: ACMG Guidelines, 2015. Collection method: not provided. Allele origin: germline. Inheritance: Unknown mechanism. Affected: yes.

PreventionGenetics, part of Exact Sciences
Classification: Benign for TRAF3-related condition. Last evaluated: 2019-06-27. Review status: no assertion criteria provided. Collection method: clinical testing. Allele origin: germline. Not counted in ClinVar's aggregate classification.
Comment: This variant is classified as benign based on ACMG/AMP sequence variant interpretation guidelines (Richards et al. 2015 PMID: 25741868, with internal and published modifications).

NM_145725.3(TRAF3):c.189G>A (p.Pro63=)

Gene: TRAF3 (TNF receptor associated factor 3; plus strand). Cytogenetic location: 14q32.32.
Variant type: single nucleotide variant.
Coding change: c.189G>A on transcript NM_145725.3 (MANE Select); coding-DNA position 189, G replaced by A.
Protein change: p.Pro63=; no amino-acid change (proline 63 retained).
Molecular consequence: synonymous variant.
Genome position (GRCh38, 1-based): chr14:102,870,390, G>A. VCF-style: chr14-102870390-G-A. GRCh37 (hg19) VCF-style: chr14-103336727-G-A.
Other names: c.189G>A, p.Pro63= (NM_001199427.2, NM_001385142.1, NM_001385143.1 and 2 more transcripts).
Identifiers: ClinVar variation 473289 (VCV000473289.15), dbSNP rs142350527, ClinGen allele CA7359166.